The following is an entry in ClinVar:

NM_002474.3(MYH11):c.4913A>G (p.Lys1638Arg)

Genes: MYH11 (myosin heavy chain 11; minus strand), NDE1 (nudE neurodevelopment protein 1; plus strand). Cytogenetic location: 16p13.11.
Variant type: single nucleotide variant.
Coding change: c.4913A>G on transcript NM_002474.3 (MANE Select); coding-DNA position 4913, A replaced by G.
Protein change: p.Lys1638Arg; replaces lysine 1638 with arginine.
Molecular consequence: missense variant. On other transcripts: intron variant (2).
Genome position (GRCh38, 1-based): chr16:15,720,191, T>C on the plus strand (A>G on the coding strand, the complement: MYH11 is on the minus strand). VCF-style: chr16-15720191-T-C. GRCh37 (hg19) VCF-style: chr16-15814048-T-C.
Other names: c.4934A>G, p.Lys1645Arg (NM_001040113.2, NM_001040114.2); c.4913A>G, p.Lys1638Arg (NM_022844.3); c.948-4000T>C (NM_001143979.2, NM_017668.3); short protein forms K1645R, K1638R.
Identifiers: ClinVar variation 3876302 (VCV003876302.1).

ClinVar aggregate classification (germline): Uncertain significance (1 of 4 stars; one submission).

Conditions:
Familial thoracic aortic aneurysm and aortic dissection (TAAD). Also called: Thoracic aortic aneurysms and dissections. Identifiers: Orphanet 91387, MedGen C4707243, MONDO:0019625.

gnomAD v4.1: 1 of 1,614,120 alleles (0.000062%); highest among the groups gnomAD compares: East Asian, 0.0022%; no homozygotes.

Submission:

Ambry Genetics
Classification: Uncertain significance for Familial thoracic aortic aneurysm and aortic dissection. Last evaluated: 2025-02-15. Review status: criteria provided, single submitter. Criteria: Ambry Variant Classification Scheme 2023. Collection method: clinical testing. Allele origin: germline.
Comment: The p.K1638R variant (also known as c.4913A>G), located in coding exon 33 of the MYH11 gene, results from an A to G substitution at nucleotide position 4913. The lysine at codon 1638 is replaced by arginine, an amino acid with highly similar properties. This amino acid position is conserved. In addition, this alteration is predicted to be tolerated by in silico analysis. Based on the available evidence, the clinical significance of this variant remains unclear.